The following is an entry in ClinVar:

NM_001042492.3(NF1):c.2697G>A (p.Leu899=)

Gene: NF1 (neurofibromin 1; plus strand). Cytogenetic location: 17q11.2.
Variant type: single nucleotide variant.
Coding change: c.2697G>A on transcript NM_001042492.3 (MANE Select); coding-DNA position 2697, G replaced by A.
Protein change: p.Leu899=; no amino-acid change (leucine 899 retained).
Molecular consequence: synonymous variant.
Genome position (GRCh38, 1-based): chr17:31,229,312, G>A. VCF-style: chr17-31229312-G-A. GRCh37 (hg19) VCF-style: chr17-29556330-G-A.
Other names: c.2697G>A, p.Leu899= (NM_000267.4).
Identifiers: ClinVar variation 4085771 (VCV004085771.8).

ClinVar aggregate classification (germline): Likely benign (1 of 4 stars; one submission).

Submission:

CeGaT Center for Human Genetics Tuebingen
Classification: Likely benign. Last evaluated: 2025-08-01. Review status: criteria provided, single submitter. Criteria: CeGaT Center For Human Genetics Tuebingen Variant Classification Criteria Version 2. Collection method: clinical testing. Allele origin: germline. Affected: yes. Observed: 1 variant allele.
Comment: NF1: PM2:Supporting, BP4, BP7